The following is an entry in ClinVar:

ClinVar aggregate classification (germline): Uncertain significance (1 of 4 stars; one submission).

Submission:

Labcorp Genetics (formerly Invitae), Labcorp
Classification: Uncertain significance. Last evaluated: 2023-02-10. Review status: criteria provided, single submitter. Criteria: Invitae Variant Classification Sherloc (09022015). Collection method: clinical testing. Allele origin: germline.
Comment: In summary, the available evidence is currently insufficient to determine the role of this variant in disease. Therefore, it has been classified as a Variant of Uncertain Significance. This sequence change replaces histidine, which is basic and polar, with asparagine, which is neutral and polar, at codon 173 of the NEFH protein (p.His173Asn). This variant is not present in population databases (gnomAD no frequency). This variant has not been reported in the literature in individuals affected with NEFH-related conditions. Advanced modeling of protein sequence and biophysical properties (such as structural, functional, and spatial information, amino acid conservation, physicochemical variation, residue mobility, and thermodynamic stability) performed at Invitae indicates that this missense variant is not expected to disrupt NEFH protein function.

NM_021076.4(NEFH):c.517C>A (p.His173Asn)

Gene: NEFH (neurofilament heavy chain; plus strand). Cytogenetic location: 22q12.2.
Variant type: single nucleotide variant.
Coding change: c.517C>A on transcript NM_021076.4 (MANE Select); coding-DNA position 517, C replaced by A.
Protein change: p.His173Asn; replaces histidine 173 with asparagine.
Molecular consequence: missense variant.
Genome position (GRCh38, 1-based): chr22:29,480,779, C>A. VCF-style: chr22-29480779-C-A. GRCh37 (hg19) VCF-style: chr22-29876768-C-A.
Other names: short protein forms H173N.
Identifiers: ClinVar variation 1908324 (VCV001908324.5), dbSNP rs1454541484, ClinGen allele CA411123019.